The following is an entry in ClinVar:

ClinVar aggregate classification (germline): Uncertain significance. Review status: criteria provided, multiple submitters, no conflicts (2 of 4 stars). 2 submissions from 2 submitters: Uncertain significance (2). Last evaluated 2025-03-22.

Conditions:
Inborn genetic diseases. Identifiers: MedGen C0950123, MeSH D030342.

Allele frequency attached by ClinVar (database versions not stated): ExAC 0.00009; TOPMed 0.00013; gnomAD 0.00015; gnomAD exomes 0.00018.

Submissions (2):

Ambry Genetics
Classification: Uncertain significance for Inborn genetic diseases. Last evaluated: 2025-03-22. Review status: criteria provided, single submitter. Criteria: Ambry Variant Classification Scheme 2023. Collection method: clinical testing. Allele origin: germline.

Labcorp Genetics (formerly Invitae), Labcorp
Classification: Uncertain significance. Last evaluated: 2022-07-21. Review status: criteria provided, single submitter. Criteria: Invitae Variant Classification Sherloc (09022015). Collection method: clinical testing. Allele origin: germline.
Comment: This sequence change replaces valine, which is neutral and non-polar, with isoleucine, which is neutral and non-polar, at codon 4 of the PGAP2 protein (p.Val4Ile). This variant is present in population databases (rs575001378, gnomAD 0.02%). This variant has not been reported in the literature in individuals affected with PGAP2-related conditions. Algorithms developed to predict the effect of missense changes on protein structure and function output the following: SIFT: "Tolerated"; PolyPhen-2: "Benign"; Align-GVGD: "Class C0". The isoleucine amino acid residue is found in multiple mammalian species, which suggests that this missense change does not adversely affect protein function. In summary, the available evidence is currently insufficient to determine the role of this variant in disease. Therefore, it has been classified as a Variant of Uncertain Significance.

NM_014489.4(PGAP2):c.10G>A (p.Val4Ile)

Gene: PGAP2 (post-GPI attachment to proteins 2; plus strand). Cytogenetic location: 11p15.4.
Variant type: single nucleotide variant.
Coding change: c.10G>A on transcript NM_014489.4 (MANE Select); coding-DNA position 10, G replaced by A.
Protein change: p.Val4Ile; replaces valine 4 with isoleucine.
Molecular consequence: missense variant. On other transcripts: 5 prime UTR variant (3), synonymous variant (1), non-coding transcript variant (5), intron variant (2).
Genome position (GRCh38, 1-based): chr11:3,811,269, G>A. VCF-style: chr11-3811269-G-A. GRCh37 (hg19) VCF-style: chr11-3832499-G-A.
Other names: c.10G>A, p.Val4Ile (NM_001283038.2, NM_001346398.2, NM_001346400.2 and 9 more transcripts); c.163G>A, p.Val55Ile (NM_001346397.2); c.-194G>A (NM_001346399.2, NM_001346401.2); c.45G>A, p.Arg15= (NM_001346402.2); c.161+2954G>A (NM_001283040.1); c.-41+2954G>A (NM_001283039.2); c.-22G>A (NM_001256235.2); short protein forms V61I, V4I, V55I.
Identifiers: ClinVar variation 2047137 (VCV002047137.3), dbSNP rs575001378, ClinGen allele CA5829543.
Genomic context (GRCh38, chr11:3,811,269, plus strand): 5'-TGGCTGCCTGGGGCCCTGACAGCATGCCACTCCATCCCCAGGTCTGACAAGATGTACCAG[G>A]TCCCACTACCACTGGATCGGGATGGGACCCTGGTACGGCTCCGCTTCACCATGGTGGCCC-3'
Protein context (NP_055304.1, residues 1-14): MYQ[Val4Ile]PLPLDRDGTL